The following is an entry in ClinVar:

ClinVar aggregate classification (germline): Pathogenic (1 of 4 stars; one submission).

Conditions:
Nemaline myopathy. Also called: Myopathies, Nemaline. Identifiers: Orphanet 607, MedGen C0206157, MONDO:0018958.

Submission:

Muscle and Diseases Team, Institut de Génétique et Biologie Moléculaire et Cellulaire
Classification: Pathogenic for Nemaline myopathy. Last evaluated: 2024-03-01. Review status: criteria provided, single submitter. Criteria: ACMG Guidelines, 2015. Collection method: research. Allele origin: maternal. Affected: yes. Observed: 1 variant allele.
Comment: PVS1+PS3+PM1+PM2+PM3+PP3+PP4

Literature cited by the submitters: DOI 10.1186/s13073-024-01353-0; PubMed 25205138; PubMed 23826317.

NM_001164508.2(NEB):c.8160+1G>A

Gene: NEB (nebulin; minus strand). Cytogenetic location: 2q23.3.
Variant type: single nucleotide variant.
Coding change: c.8160+1G>A on transcript NM_001164508.2 (MANE Select); the canonical splice donor site of the intron after coding-DNA position 8160, G replaced by A.
Molecular consequence: splice donor variant.
Genome position (GRCh38, 1-based): chr2:151,643,149, C>T on the plus strand (G>A on the coding strand, the complement: NEB is on the minus strand). VCF-style: chr2-151643149-C-T. GRCh37 (hg19) VCF-style: chr2-152499663-C-T.
Other names: c.8160+1G>A (NM_004543.5, NM_001164507.2, NM_001271208.2).
Identifiers: ClinVar variation 3233265 (VCV003233265.2), dbSNP rs2552246923.